The following is an entry in ClinVar:

ClinVar aggregate classification (germline): Likely pathogenic. Review status: criteria provided, multiple submitters, no conflicts (2 of 4 stars). 2 submissions from 2 submitters: Likely pathogenic (2). Last evaluated 2022-10-25.

Conditions:
Autosomal recessive limb-girdle muscular dystrophy type R18 (LGMDR18). Also called: Autosomal recessive limb-girdle muscular dystrophy type 2S; Limb-girdle muscular dystrophy, type 2S; MUSCULAR DYSTROPHY, LIMB-GIRDLE, AUTOSOMAL RECESSIVE 18. Identifiers: Orphanet 369840, MedGen C4517996, MONDO:0014144, OMIM 615356.

Allele frequency attached by ClinVar (database versions not stated): gnomAD exomes below 0.00001.
gnomAD v4.1: 3 of 1,602,846 alleles (0.00019%); highest among the groups gnomAD compares: South Asian, 0.0034%; no homozygotes.

Submissions (2):

GeneDx
Classification: Likely pathogenic. Last evaluated: 2022-10-25. Review status: criteria provided, single submitter. Criteria: GeneDx Variant Classification Process June 2021. Collection method: clinical testing. Allele origin: germline. Affected: yes.
Comment: Nonsense variant predicted to result in protein truncation or nonsense mediated decay in a gene for which loss-of-function is a known mechanism of disease; Not observed at a significant frequency in large population cohorts (gnomAD); Has not been previously published as pathogenic or benign to our knowledge

Revvity Omics, Revvity
Classification: Likely pathogenic for Autosomal recessive limb-girdle muscular dystrophy type R18. Last evaluated: 2020-11-10. Review status: criteria provided, single submitter. Criteria: ACMG Guidelines, 2015. Collection method: clinical testing. Allele origin: germline.

NM_021942.6(TRAPPC11):c.964C>T (p.Gln322Ter)

Gene: TRAPPC11 (trafficking protein particle complex subunit 11; plus strand). Cytogenetic location: 4q35.1.
Variant type: single nucleotide variant.
Coding change: c.964C>T on transcript NM_021942.6 (MANE Select); coding-DNA position 964, C replaced by T.
Protein change: p.Gln322Ter; replaces glutamine 322 with a stop codon.
Molecular consequence: nonsense.
Genome position (GRCh38, 1-based): chr4:183,679,485, C>T. VCF-style: chr4-183679485-C-T. GRCh37 (hg19) VCF-style: chr4-184600638-C-T.
Other names: c.964C>T, p.Gln322Ter (NM_199053.3); short protein forms Q322*.
Identifiers: ClinVar variation 620505 (VCV000620505.8), dbSNP rs1483190866, ClinGen allele CA358862504.
Genomic context (GRCh38, chr4:183,679,485, plus strand): 5'-TGTAAGAAAAAGATTGGAAGTGCAGAGCTGTCTTTTGAGCATGATGCATGGATGTCTAAA[C>T]AGTATGTTTTACATTGTCCTTTTAGAATTTTTTAAAAATGATACATAGTATTTGGAGAAA-3'